The following is an entry in ClinVar:

NM_006379.5(SEMA3C):c.833A>G (p.Asn278Ser)

Gene: SEMA3C (semaphorin 3C; minus strand). Cytogenetic location: 7q21.11.
Variant type: single nucleotide variant.
Coding change: c.833A>G on transcript NM_006379.5 (MANE Select); coding-DNA position 833, A replaced by G.
Protein change: p.Asn278Ser; replaces asparagine 278 with serine.
Molecular consequence: missense variant.
Genome position (GRCh38, 1-based): chr7:80,802,748, T>C on the plus strand (A>G on the coding strand, the complement: SEMA3C is on the minus strand). VCF-style: chr7-80802748-T-C. GRCh37 (hg19) VCF-style: chr7-80432064-T-C.
Other names: c.887A>G, p.Asn296Ser (NM_001350120.2); c.659A>G, p.Asn220Ser (NM_001350121.2); c.887A>G (NM_001350120.1); short protein forms N278S, N296S, N220S.
Identifiers: ClinVar variation 2354761 (VCV002354761.6), dbSNP rs748611901, ClinGen allele CA4316311.

ClinVar aggregate classification (germline): Uncertain significance. Review status: criteria provided, multiple submitters, no conflicts (2 of 4 stars). 2 submissions from 2 submitters: Uncertain significance (2). Last evaluated 2026-05-10.

Conditions:
SEMA3C-related disorder. Also called: SEMA3C-related condition.

Allele frequency attached by ClinVar (database versions not stated): gnomAD 0.00001; gnomAD exomes 0.00002; TOPMed 0.00003; ExAC 0.00004.

Submissions (2):

PreventionGenetics, part of Exact Sciences
Classification: Uncertain significance for SEMA3C-related condition. Last evaluated: 2026-05-10. Review status: criteria provided, single submitter. Criteria: ACMG Guidelines, 2015. Collection method: clinical testing. Allele origin: germline.
Comment: The SEMA3C c.887A>G variant is predicted to result in the amino acid substitution p.Asn296Ser. To our knowledge, this variant has not been reported in the literature. This variant is reported in 0.049% of alleles in individuals of Latino descent in gnomAD. At this time, the clinical significance of this variant is uncertain due to the absence of conclusive functional and genetic evidence.

Ambry Genetics
Classification: Uncertain significance. Last evaluated: 2025-01-19. Review status: criteria provided, single submitter. Criteria: Ambry Variant Classification Scheme 2023. Collection method: clinical testing. Allele origin: germline.